The following is an entry in ClinVar:

NM_000135.4(FANCA):c.3663C>G (p.Asn1221Lys)

Gene: FANCA (FA complementation group A; minus strand). Cytogenetic location: 16q24.3.
Variant type: single nucleotide variant.
Coding change: c.3663C>G on transcript NM_000135.4 (MANE Select); coding-DNA position 3663, C replaced by G.
Protein change: p.Asn1221Lys; replaces asparagine 1221 with lysine.
Molecular consequence: missense variant.
Genome position (GRCh38, 1-based): chr16:89,742,902, G>C on the plus strand (C>G on the coding strand, the complement: FANCA is on the minus strand). VCF-style: chr16-89742902-G-C. GRCh37 (hg19) VCF-style: chr16-89809310-G-C.
Other names: c.3663C>G, p.Asn1221Lys (NM_001286167.3); short protein forms N1221K.
Identifiers: ClinVar variation 3848225 (VCV003848225.1).

ClinVar aggregate classification (germline): Uncertain significance (1 of 4 stars; one submission).

Conditions:
Inborn genetic diseases. Identifiers: MedGen C0950123, MeSH D030342.

gnomAD v4.1: 1 of 1,614,158 alleles (0.000062%); highest among the groups gnomAD compares: Non-Finnish European, 0.000085%; no homozygotes.

Submission:

Ambry Genetics
Classification: Uncertain significance for Inborn genetic diseases. Last evaluated: 2025-02-11. Review status: criteria provided, single submitter. Criteria: Ambry Variant Classification Scheme 2023. Collection method: clinical testing. Allele origin: germline.
Comment: The p.N1221K variant (also known as c.3663C>G), located in coding exon 37 of the FANCA gene, results from a C to G substitution at nucleotide position 3663. The asparagine at codon 1221 is replaced by lysine, an amino acid with similar properties. This amino acid position is conserved. In addition, this alteration is predicted to be tolerated by in silico analysis. Based on the available evidence, the clinical significance of this variant remains unclear.